The following is an entry in ClinVar:

ClinVar aggregate classification (germline): Uncertain significance (1 of 4 stars; one submission).

Conditions:
Costello syndrome (CSTLO). Also called: FACIOCUTANEOSKELETAL SYNDROME; HRAS-Related Costello Syndrome; FCS SYNDROME. Identifiers: Orphanet 3071, MedGen C0587248, MONDO:0009026, OMIM 218040.

Submission:

Labcorp Genetics (formerly Invitae), Labcorp
Classification: Uncertain significance for Costello syndrome. Last evaluated: 2023-12-23. Review status: criteria provided, single submitter. Criteria: Invitae Variant Classification Sherloc (09022015). Collection method: clinical testing. Allele origin: unknown.
Comment: A copy number gain of the genomic region encompassing the full coding sequence of the HRAS gene has been identified. The boundaries of this event are unknown as they extend beyond the assayed region for this gene and therefore may encompass additional genes. As the precise location of this event is unknown, it may be in tandem or it may be located elsewhere in the genome. This variant has not been reported in the literature in individuals affected with HRAS-related conditions. A similar copy number variant has been observed in at least one individual who was not affected with HRAS-related conditions (Invitae). In summary, the available evidence is currently insufficient to determine the role of this variant in disease. Therefore, it has been classified as a Variant of Uncertain Significance.

NC_000011.10:g.(?_532636)_(534322_?)dup

Gene: HRAS (HRas proto-oncogene, GTPase; minus strand). Cytogenetic location: 11p15.5.
Variant type: Duplication.
Identifiers: ClinVar variation 3244590 (VCV003244590.1).